The following is an entry in ClinVar:

NM_000089.4(COL1A2):c.1604G>C (p.Gly535Ala)

Gene: COL1A2 (collagen type I alpha 2 chain; plus strand). Cytogenetic location: 7q21.3.
Variant type: single nucleotide variant.
Coding change: c.1604G>C on transcript NM_000089.4 (MANE Select); coding-DNA position 1604, G replaced by C.
Protein change: p.Gly535Ala; replaces glycine 535 with alanine.
Molecular consequence: missense variant.
Genome position (GRCh38, 1-based): chr7:94,413,736, G>C. VCF-style: chr7-94413736-G-C. GRCh37 (hg19) VCF-style: chr7-94043048-G-C.
Other names: short protein forms G535A.
Identifiers: ClinVar variation 972708 (VCV000972708.3), dbSNP rs1791980863, ClinGen allele CA368222194.

ClinVar aggregate classification (germline): Likely pathogenic (1 of 4 stars; one submission).

Conditions:
Osteogenesis imperfecta with normal sclerae, dominant form (OI4). Also called: OSTEOGENESIS IMPERFECTA, TYPE IV, WITH DENTINOGENESIS IMPERFECTA; OSTEOGENESIS IMPERFECTA WITH NORMAL SCLERAE; Osteogenesis imperfecta type 4; Common Variable Osteogenesis Imperfecta with Normal Sclerae; Osteogenesis Imperfecta Type IV. Identifiers: Orphanet 216820, Orphanet 666, MedGen C0268363, MONDO:0008148, OMIM 166220.

Submission:

Center for Human Genetics and Genomic Medicine, Uniklinik Rwth Aachen
Classification: Likely pathogenic for Osteogenesis imperfecta with normal sclerae, dominant form. Last evaluated: 2025-10-02. Review status: criteria provided, single submitter. Criteria: ACMG Guidelines, 2015. Collection method: clinical testing. Allele origin: maternal. Inheritance: Autosomal dominant inheritance. Affected: yes.
Comment: This variant has not yet been reported in the literature. In the general population (gnomAD v4.1.0), the variant has not yet been detected (PM2_sup). Bioinformatics prediction tools (REVEL (v2021-05-03), CADD (v1.6); accessed via Alamut Visual Plus v.1.13 on September 26, 2025) classify the variant as pathogenic (PP3_str). The variant has been detected in two family members who exhibit clinical features of OI (PP1_sup, PP4_sup).